The following is an entry in ClinVar:

ClinVar aggregate classification (germline): Uncertain significance (1 of 4 stars; one submission).

Conditions:
Mendelian susceptibility to mycobacterial diseases due to complete IL12RB1 deficiency. Also called: Immunodeficiency 30; IL12RB1 DEFICIENCY. Identifiers: Orphanet 319552, MedGen C4013949, MONDO:0013955, OMIM 614891.

Submission:

Labcorp Genetics (formerly Invitae), Labcorp
Classification: Uncertain significance for Mendelian susceptibility to mycobacterial diseases due to complete IL12RB1 deficiency. Last evaluated: 2022-01-14. Review status: criteria provided, single submitter. Criteria: Invitae Variant Classification Sherloc (09022015). Collection method: clinical testing. Allele origin: germline.
Comment: In summary, the available evidence is currently insufficient to determine the role of this variant in disease. Therefore, it has been classified as a Variant of Uncertain Significance. Algorithms developed to predict the effect of missense changes on protein structure and function are either unavailable or do not agree on the potential impact of this missense change (SIFT: "Tolerated"; PolyPhen-2: "Possibly Damaging"; Align-GVGD: "Class C0"). This variant has not been reported in the literature in individuals affected with IL12RB1-related conditions. This variant is not present in population databases (gnomAD no frequency). This sequence change replaces proline, which is neutral and non-polar, with glutamine, which is neutral and polar, at codon 237 of the IL12RB1 protein (p.Pro237Gln).

NM_005535.3(IL12RB1):c.710C>A (p.Pro237Gln)

Gene: IL12RB1 (interleukin 12 receptor subunit beta 1; minus strand). Cytogenetic location: 19p13.11.
Variant type: single nucleotide variant.
Coding change: c.710C>A on transcript NM_005535.3 (MANE Select); coding-DNA position 710, C replaced by A.
Protein change: p.Pro237Gln; replaces proline 237 with glutamine.
Molecular consequence: missense variant.
Genome position (GRCh38, 1-based): chr19:18,073,590, G>T on the plus strand (C>A on the coding strand, the complement: IL12RB1 is on the minus strand). VCF-style: chr19-18073590-G-T. GRCh37 (hg19) VCF-style: chr19-18184400-G-T.
Other names: c.710C>A, p.Pro237Gln (NM_001290023.2, NM_153701.3); c.830C>A, p.Pro277Gln (NM_001290024.2); short protein forms P237Q, P277Q.
Identifiers: ClinVar variation 1516594 (VCV001516594.8), dbSNP rs1402432695, ClinGen allele CA404780916.